The following is an entry in ClinVar:

NM_022489.4(INF2):c.2498T>C (p.Leu833Pro)

Gene: INF2 (inverted formin 2; plus strand). Cytogenetic location: 14q32.33.
Variant type: single nucleotide variant.
Coding change: c.2498T>C on transcript NM_022489.4 (MANE Select); coding-DNA position 2498, T replaced by C.
Protein change: p.Leu833Pro; replaces leucine 833 with proline.
Molecular consequence: missense variant.
Genome position (GRCh38, 1-based): chr14:104,712,441, T>C. VCF-style: chr14-104712441-T-C. GRCh37 (hg19) VCF-style: chr14-105178778-T-C.
Other names: c.2498T>C, p.Leu833Pro (NM_001031714.4); short protein forms L833P.
Identifiers: ClinVar variation 706321 (VCV000706321.17), dbSNP rs575569437, ClinGen allele CA7372965.

ClinVar aggregate classification (germline): Likely benign. Review status: criteria provided, multiple submitters, no conflicts (2 of 4 stars). 4 submissions from 4 submitters: Likely benign (4). Last evaluated 2026-02-01.

Conditions:
INF2-related disorder. Also called: INF2-related condition.
Charcot-Marie-Tooth disease dominant intermediate E. Also called: CHARCOT-MARIE-TOOTH NEUROPATHY WITH FOCAL SEGMENTAL GLOMERULONEPHRITIS. Identifiers: Orphanet 93114, MedGen C4302667, MONDO:0013758, OMIM 614455.
Focal segmental glomerulosclerosis 5 (FSGS5). Identifiers: Orphanet 656, MedGen C2750475, MONDO:0013191, OMIM 613237.

Allele frequency attached by ClinVar (database versions not stated): gnomAD 0.00002 and 0.00003; TOPMed 0.00008; gnomAD exomes 0.00009 and 0.00022; 1000 Genomes Project 30x 0.00016; ExAC 0.00018; 1000 Genomes Project 0.00020.
gnomAD v4.1: 60 of 1,612,444 alleles (0.0037%); highest among the groups gnomAD compares: Admixed American, 0.1%; 1 homozygote.

Submissions (4):

CeGaT Center for Human Genetics Tuebingen
Classification: Likely benign. Last evaluated: 2026-02-01. Review status: criteria provided, single submitter. Criteria: CeGaT Center For Human Genetics Tuebingen Variant Classification Criteria Version 2. Collection method: clinical testing. Allele origin: germline. Affected: yes. Observed: 1 variant allele.
Comment: INF2: BP4, BS2

Labcorp Genetics (formerly Invitae), Labcorp
Classification: Likely benign for Charcot-Marie-Tooth disease dominant intermediate E; Focal segmental glomerulosclerosis 5. Last evaluated: 2025-09-03. Review status: criteria provided, single submitter. Criteria: Invitae Variant Classification Sherloc (09022015). Collection method: clinical testing. Allele origin: germline.

PreventionGenetics, part of Exact Sciences
Classification: Likely benign for INF2-related condition. Last evaluated: 2025-08-18. Review status: criteria provided, single submitter. Criteria: ACMG Guidelines, 2015. Collection method: clinical testing. Allele origin: germline.
Comment: This variant is classified as likely benign based on ACMG/AMP sequence variant interpretation guidelines (Richards et al. 2015 PMID: 25741868, with internal and published modifications).

Fulgent Genetics
Classification: Likely benign for Focal segmental glomerulosclerosis 5; Charcot-Marie-Tooth disease dominant intermediate E. Last evaluated: 2021-08-08. Review status: criteria provided, single submitter. Criteria: ACMG Guidelines, 2015. Collection method: clinical testing. Allele origin: unknown.